The following is an entry in ClinVar:

ClinVar aggregate classification (germline): Uncertain significance (1 of 4 stars; one submission).

Conditions:
Inborn genetic diseases. Identifiers: MedGen C0950123, MeSH D030342.

Submission:

Ambry Genetics
Classification: Uncertain significance for Inborn genetic diseases. Last evaluated: 2024-12-29. Review status: criteria provided, single submitter. Criteria: Ambry Variant Classification Scheme 2023. Collection method: clinical testing. Allele origin: germline.
Comment: The p.S306T variant (also known as c.917G>C), located in coding exon 10 of the ASXL1 gene, results from a G to C substitution at nucleotide position 917. The serine at codon 306 is replaced by threonine, an amino acid with similar properties. This amino acid position is conserved. In addition, the in silico prediction for this alteration is inconclusive. Based on the available evidence, the clinical significance of this variant remains unclear.

NM_015338.6(ASXL1):c.917G>C (p.Ser306Thr)

Gene: ASXL1 (ASXL transcriptional regulator 1; plus strand). Cytogenetic location: 20q11.21.
Variant type: single nucleotide variant.
Coding change: c.917G>C on transcript NM_015338.6 (MANE Select); coding-DNA position 917, G replaced by C.
Protein change: p.Ser306Thr; replaces serine 306 with threonine.
Molecular consequence: missense variant.
Genome position (GRCh38, 1-based): chr20:32,431,617, G>C. VCF-style: chr20-32431617-G-C. GRCh37 (hg19) VCF-style: chr20-31019420-G-C.
Other names: c.734G>C, p.Ser245Thr (NM_001363734.1); short protein forms S245T, S306T.
Identifiers: ClinVar variation 3791704 (VCV003791704.1).
Genomic context (GRCh38, chr20:32,431,617, plus strand): 5'-ATTTTTTTCCCCCTTGATCCTTCTAGGTGGGGACGGATGGCCTGTTGCGTCTCAGCAGCA[G>C]TGCACTAAATAACGAGTTTTTTACCCATGCGGCTCAGAGCTGGCGGGAGCGCCTGGCTGA-3'
Protein context (NP_056153.2, residues 296-316): GTDGLLRLSS[Ser306Thr]ALNNEFFTHA